The following is an entry in ClinVar:

ClinVar aggregate classification (germline): Uncertain significance. Review status: criteria provided, multiple submitters, no conflicts (2 of 4 stars). 6 submissions from 6 submitters: Uncertain significance (6). Last evaluated 2025-10-23.

Conditions:
Monogenic diabetes. Identifiers: Orphanet 183625, MedGen C3888631, MONDO:0015967.
Type 2 diabetes mellitus. Also called: Type II diabetes mellitus. Identifiers: MedGen C0011860, MeSH D003924, MONDO:0005148, OMIM 125853, HP:0005978.
Maturity-onset diabetes of the young type 4 (MODY4). Also called: Maturity-onset diabetes of the young, type IV; MODY, type IV. Identifiers: Orphanet 552, MedGen C1833382, MONDO:0011667, OMIM 606392.
Pancreatic agenesis 1 (PAGEN1). Also called: PANCREATIC HYPOPLASIA, CONGENITAL. Identifiers: Orphanet 2805, MedGen C3891828, MONDO:0024547, OMIM 260370.
PDX1-related disorder. Also called: PDX1-related condition; PDX1-related disorders.

Allele frequency attached by ClinVar (database versions not stated): gnomAD exomes 0.00003.

Submissions (6):

Labcorp Genetics (formerly Invitae), Labcorp
Classification: Uncertain significance. Last evaluated: 2025-10-23. Review status: criteria provided, single submitter. Criteria: Invitae Variant Classification Sherloc (09022015). Collection method: clinical testing. Allele origin: germline.
Comment: This sequence change replaces proline, which is neutral and non-polar, with arginine, which is basic and polar, at codon 240 of the PDX1 protein (p.Pro240Arg). This variant is present in population databases (no rsID available, gnomAD 0.006%). This missense change has been observed in individual(s) with type 1 diabetes (PMID: 31264968). ClinVar contains an entry for this variant (Variation ID: 447926). An algorithm developed to predict the effect of missense changes on protein structure and function (PolyPhen-2) suggests that this variant is likely to be tolerated. In summary, the available evidence is currently insufficient to determine the role of this variant in disease. Therefore, it has been classified as a Variant of Uncertain Significance.

PreventionGenetics, part of Exact Sciences
Classification: Uncertain significance for PDX1-related condition. Last evaluated: 2023-08-03. Review status: criteria provided, single submitter. Criteria: ACMG Guidelines, 2015. Collection method: clinical testing. Allele origin: germline.
Comment: The PDX1 c.719C>G variant is predicted to result in the amino acid substitution p.Pro240Arg. This variant was reported in an individual with type 1 diabetes (Supplemental Table 7, Yu et al 2019. PubMed ID: 31264968). This variant is reported in 0.0063% of alleles in individuals of European (Non-Finnish) descent in gnomAD. At this time, the clinical significance of this variant is uncertain due to the absence of conclusive functional and genetic evidence.

Blueprint Genetics
Classification: Uncertain significance. Last evaluated: 2022-06-15. Review status: criteria provided, single submitter. Criteria: ACMG Guidelines, 2015. Collection method: clinical testing. Allele origin: germline.

Fulgent Genetics
Classification: Uncertain significance for Type 2 diabetes mellitus; Pancreatic agenesis 1; Maturity-onset diabetes of the young type 4. Last evaluated: 2021-11-03. Review status: criteria provided, single submitter. Criteria: ACMG Guidelines, 2015. Collection method: clinical testing. Allele origin: unknown.

Personalized Diabetes Medicine Program, University of Maryland School of Medicine
Classification: Uncertain significance for Monogenic diabetes. Last evaluated: 2018-03-07. Review status: criteria provided, single submitter. Criteria: ACMG Guidelines, 2015. Collection method: research. Allele origin: unknown. Observed: 1 variant allele, 1 heterozygote.
Comment: ACMG criteria: PP3 (3 predictors), BP4 (8 predictors), PM2 (absent in database), NOTE: Athena calls VUS=VUS

Athena Diagnostics
Classification: Uncertain significance. Last evaluated: 2016-09-30. Review status: criteria provided, single submitter. Criteria: Athena Diagnostics Criteria. Collection method: clinical testing. Allele origin: germline.

Literature cited by the submitters: PubMed 31264968 (cited by Labcorp Genetics (formerly Invitae), Labcorp).

NM_000209.4(PDX1):c.719C>G (p.Pro240Arg)

Gene: PDX1 (pancreatic and duodenal homeobox 1; plus strand). Cytogenetic location: 13q12.2.
Variant type: single nucleotide variant.
Coding change: c.719C>G on transcript NM_000209.4 (MANE Select); coding-DNA position 719, C replaced by G.
Protein change: p.Pro240Arg; replaces proline 240 with arginine.
Molecular consequence: missense variant.
Genome position (GRCh38, 1-based): chr13:27,924,568, C>G. VCF-style: chr13-27924568-C-G. GRCh37 (hg19) VCF-style: chr13-28498705-C-G.
Other names: short protein forms P240R.
Identifiers: ClinVar variation 447926 (VCV000447926.9), dbSNP rs753881947, ClinGen allele CA387646515.